The following is an entry in ClinVar:

ClinVar aggregate classification (germline): Likely benign. Review status: criteria provided, multiple submitters, no conflicts (2 of 4 stars). 2 submissions from 2 submitters: Likely benign (2). Last evaluated 2025-07-20.

Conditions:
Hajdu-Cheney syndrome (HJCYS). Also called: SERPENTINE FIBULA-POLYCYSTIC KIDNEY SYNDROME; ACROOSTEOLYSIS WITH OSTEOPOROSIS AND CHANGES IN SKULL AND MANDIBLE; Acroosteolysis dominant type. Identifiers: Orphanet 955, MedGen C0917715, MONDO:0007057, OMIM 102500.

Allele frequency attached by ClinVar (database versions not stated): gnomAD exomes 0.00001; ExAC 0.00002; gnomAD 0.00002; TOPMed 0.00002.
gnomAD v4.1: 18 of 1,612,890 alleles (0.0011%); highest among the groups gnomAD compares: Middle Eastern, 0.033%; no homozygotes.

Submissions (2):

Labcorp Genetics (formerly Invitae), Labcorp
Classification: Likely benign for Hajdu-Cheney syndrome. Last evaluated: 2025-07-20. Review status: criteria provided, single submitter. Criteria: Invitae Variant Classification Sherloc (09022015). Collection method: clinical testing. Allele origin: germline.

CeGaT Center for Human Genetics Tuebingen
Classification: Likely benign. Last evaluated: 2024-01-01. Review status: criteria provided, single submitter. Criteria: CeGaT Center For Human Genetics Tuebingen Variant Classification Criteria Version 2. Collection method: clinical testing. Allele origin: germline. Affected: yes. Observed: 1 variant allele.
Comment: NOTCH2: BP4, BP7

NM_024408.4(NOTCH2):c.2451C>T (p.Tyr817=)

Gene: NOTCH2 (notch receptor 2; minus strand). Cytogenetic location: 1p12.
Variant type: single nucleotide variant.
Coding change: c.2451C>T on transcript NM_024408.4 (MANE Select); coding-DNA position 2451, C replaced by T.
Protein change: p.Tyr817=; no amino-acid change (tyrosine 817 retained).
Molecular consequence: synonymous variant.
Genome position (GRCh38, 1-based): chr1:119,950,752, G>A on the plus strand (C>T on the coding strand, the complement: NOTCH2 is on the minus strand). VCF-style: chr1-119950752-G-A. GRCh37 (hg19) VCF-style: chr1-120493375-G-A.
Other names: c.2451C>T, p.Tyr817= (NM_001200001.2).
Identifiers: ClinVar variation 2201740 (VCV002201740.26), dbSNP rs781853129, ClinGen allele CA1040305.